The following is an entry in ClinVar:

ClinVar aggregate classification (germline): Uncertain significance (1 of 4 stars; one submission).

Conditions:
Ullrich congenital muscular dystrophy 2 (UCMD2). Identifiers: Orphanet 75840, MedGen C4225314, MONDO:0014654, OMIM 616470.
Bethlem myopathy 2 (BTHLM2). Identifiers: Orphanet 536516, Orphanet 610, MedGen C4225313, MONDO:0034022, OMIM 616471.

Submission:

Labcorp Genetics (formerly Invitae), Labcorp
Classification: Uncertain significance for Bethlem myopathy 2; Ullrich congenital muscular dystrophy 2. Last evaluated: 2019-11-01. Review status: criteria provided, single submitter. Criteria: Invitae Variant Classification Sherloc (09022015). Collection method: clinical testing. Allele origin: germline.
Comment: This sequence change replaces asparagine with isoleucine at codon 2921 of the COL12A1 protein (p.Asn2921Ile). The asparagine residue is weakly conserved and there is a large physicochemical difference between asparagine and isoleucine. This variant is not present in population databases (ExAC no frequency). This variant has not been reported in the literature in individuals with COL12A1-related conditions. Algorithms developed to predict the effect of missense changes on protein structure and function are either unavailable or do not agree on the potential impact of this missense change (SIFT: "Deleterious"; PolyPhen-2: "Benign"; Align-GVGD: "Class C0"). In summary, the available evidence is currently insufficient to determine the role of this variant in disease. Therefore, it has been classified as a Variant of Uncertain Significance.

NM_004370.6(COL12A1):c.8762A>T (p.Asn2921Ile)

Gene: COL12A1 (collagen type XII alpha 1 chain; minus strand). Cytogenetic location: 6q13.
Variant type: single nucleotide variant.
Coding change: c.8762A>T on transcript NM_004370.6 (MANE Select); coding-DNA position 8762, A replaced by T.
Protein change: p.Asn2921Ile; replaces asparagine 2921 with isoleucine.
Molecular consequence: missense variant.
Genome position (GRCh38, 1-based): chr6:75,090,289, T>A on the plus strand (A>T on the coding strand, the complement: COL12A1 is on the minus strand). VCF-style: chr6-75090289-T-A. GRCh37 (hg19) VCF-style: chr6-75800005-T-A.
Other names: c.5270A>T, p.Asn1757Ile (NM_080645.3); short protein forms N1757I, N2921I.
Identifiers: ClinVar variation 968592 (VCV000968592.10), dbSNP rs1767695881, ClinGen allele CA364735516.
Genomic context (GRCh38, chr6:75,090,289, plus strand): 5'-GGCTGGTTGCGACTGGACTGGTAATCATTTGGAATCTGATTCAGCATCTGATTGAATCTG[T>A]TCATCTGACCTACAAGCAGAAATAAGGCTTGTTAGTAAGAAACCCAATAAAGGACGGATG-3'
Protein context (NP_004361.3, residues 2911-2931): VCEQLISGQM[Asn2921Ile]RFNQMLNQIP